The following is an entry in ClinVar:

NM_033026.6(PCLO):c.6911C>T (p.Ala2304Val)

Gene: PCLO (piccolo presynaptic cytomatrix protein; minus strand). Cytogenetic location: 7q21.11.
Variant type: single nucleotide variant.
Coding change: c.6911C>T on transcript NM_033026.6 (MANE Select); coding-DNA position 6911, C replaced by T.
Protein change: p.Ala2304Val; replaces alanine 2304 with valine.
Molecular consequence: missense variant.
Genome position (GRCh38, 1-based): chr7:82,954,042, G>A on the plus strand (C>T on the coding strand, the complement: PCLO is on the minus strand). VCF-style: chr7-82954042-G-A. GRCh37 (hg19) VCF-style: chr7-82583358-G-A.
Other names: c.6911C>T, p.Ala2304Val (NM_014510.3); short protein forms A2304V.
Identifiers: ClinVar variation 1514891 (VCV001514891.8), dbSNP rs2116444163, ClinGen allele CA367918091.
Genomic context (GRCh38, chr7:82,954,042, plus strand): 5'-TTTTTATCTCTGTAAGCTTCCAAAACTTCCAGAATGATTCCATTCCCAGTTTCCTTCTTG[G>A]CTTTCTTCACTGGGTCCTTTTCAGATATAAGTAAGTCAGTAGAAACAGTGTCAGCAACTG-3'
Protein context (NP_149015.2, residues 2294-2314): LISEKDPVKK[Ala2304Val]KKETGNGIIL

ClinVar aggregate classification (germline): Uncertain significance (1 of 4 stars; one submission).

Allele frequency attached by ClinVar (database versions not stated): gnomAD exomes below 0.00001.
gnomAD v4.1: 1 of 1,613,624 alleles (0.000062%); highest among the groups gnomAD compares: Non-Finnish European, 0.000085%; no homozygotes.

Submission:

Labcorp Genetics (formerly Invitae), Labcorp
Classification: Uncertain significance. Last evaluated: 2022-08-22. Review status: criteria provided, single submitter. Criteria: Invitae Variant Classification Sherloc (09022015). Collection method: clinical testing. Allele origin: germline.
Comment: This variant is not present in population databases (gnomAD no frequency). This sequence change replaces alanine, which is neutral and non-polar, with valine, which is neutral and non-polar, at codon 2304 of the PCLO protein (p.Ala2304Val). This variant has not been reported in the literature in individuals affected with PCLO-related conditions. In summary, the available evidence is currently insufficient to determine the role of this variant in disease. Therefore, it has been classified as a Variant of Uncertain Significance. Algorithms developed to predict the effect of missense changes on protein structure and function output the following: SIFT: "Tolerated"; PolyPhen-2: "Not Available"; Align-GVGD: "Class C0". The valine amino acid residue is found in multiple mammalian species, which suggests that this missense change does not adversely affect protein function. ClinVar contains an entry for this variant (Variation ID: 1514891).